The following is an entry in ClinVar:

ClinVar aggregate classification (germline): Pathogenic. Review status: reviewed by expert panel (3 of 4 stars). 3 submissions from 3 submitters: Pathogenic (1). 2 of the submissions do not count toward it. Last evaluated 2016-09-08.

Conditions:
Breast-ovarian cancer, familial, susceptibility to, 2 (BROVCA2). Also called: BRCA2 Hereditary Breast and Ovarian Cancer. Identifiers: Orphanet 145, MedGen C2675520, MONDO:0012933, OMIM 612555. Disease mechanism: loss of function.

Submissions (3):

Evidence-based Network for the Interpretation of Germline Mutant Alleles (ENIGMA)
Classification: Pathogenic for Breast-ovarian cancer, familial, susceptibility to, 2. Last evaluated: 2016-09-08. Review status: reviewed by expert panel. Criteria: ENIGMA BRCA1/2 Classification Criteria (2015). Collection method: curation. Allele origin: germline.
Comment: Variant allele predicted to encode a truncated non-functional protein.

Consortium of Investigators of Modifiers of BRCA1/2 (CIMBA), c/o University of Cambridge
Classification: Pathogenic for Breast-ovarian cancer, familial, susceptibility to, 2. Last evaluated: 2015-10-02. Review status: criteria provided, single submitter. Criteria: CIMBA Mutation Classification guidelines May 2016. Collection method: clinical testing. Allele origin: germline. Not counted in ClinVar's aggregate classification.

Breast Cancer Information Core (BIC) (BRCA2)
Classification: Pathogenic for Breast-ovarian cancer, familial 2. Review status: no assertion criteria provided. Collection method: clinical testing. Allele origin: germline. Affected: yes. Observed: 1 variant allele. Not counted in ClinVar's aggregate classification.

NM_000059.4(BRCA2):c.6407_6411del (p.Leu2136fs)

Gene: BRCA2 (BRCA2 DNA repair associated; plus strand). Cytogenetic location: 13q13.1.
Variant type: Deletion.
Coding change: c.6407_6411del on transcript NM_000059.4 (MANE Select); coding-DNA positions 6407 to 6411, 5 bases deleted (TAAAT; older notation c.6407_6411delTAAAT).
Protein change: p.Leu2136fs; shifts the reading frame from leucine 2136.
Molecular consequence: frameshift variant.
Genome position (GRCh38, 1-based): chr13:32,340,762-32,340,766, TAAAT deleted; deleting any 5 consecutive bases within chr13:32,340,761-32,340,766 gives the same sequence; the c. name uses the placement nearest the transcript's 3' end. VCF-style (leftmost placement, unchanged base first): chr13-32340760-CTTAAA-C. GRCh37 (hg19) VCF-style: chr13-32914897-CTTAAA-C.
Other names: 6635del5; c.6407_6411delTAAAT (NM_000059.3).
Identifiers: ClinVar variation 52085 (VCV000052085.5), dbSNP rs80359586, ClinGen allele CA024004.